The following is an entry in ClinVar:

NM_001042492.3(NF1):c.6937_6956del (p.Lys2313fs)

Gene: NF1 (neurofibromin 1; plus strand). Cytogenetic location: 17q11.2.
Variant type: Deletion.
Coding change: c.6937_6956del on transcript NM_001042492.3 (MANE Select); coding-DNA positions 6937 to 6956, 20 bases deleted (AAAGCCCTCTTTTGGGTAGC).
Protein change: p.Lys2313fs; shifts the reading frame from lysine 2313.
Molecular consequence: frameshift variant.
Genome position (GRCh38, 1-based): chr17:31,340,520-31,340,539, AAAGCCCTCTTTTGGGTAGC deleted; deleting any 20 consecutive bases within chr17:31,340,519-31,340,539 gives the same sequence; the c. name uses the placement nearest the transcript's 3' end. VCF-style (leftmost placement, unchanged base first): chr17-31340518-ACAAAGCCCTCTTTTGGGTAG-A. GRCh37 (hg19) VCF-style: chr17-29667536-ACAAAGCCCTCTTTTGGGTAG-A.
Other names: c.6874_6893del20, p.Lys2292Cysfs (NM_000267.4); short protein forms K2313fs, K2292fs.
Identifiers: ClinVar variation 2760277 (VCV002760277.3), dbSNP rs2508769940, ClinGen allele CA2697559646.
Genomic context (GRCh38, chr17:31,340,518, plus strand): 5'-TATGTCATGATTCATCTTACTAGCCTCAAACATATCTTCTTTGCCAGGACTCGCCTCTGC[ACAAAGCCCTCTTTTGGGTAG>A]CTGTGGCTGTGCTGCAGCTTGATGAGGTCAACTTGTATTCAGCAGGTACCGCACTTCTTG-3'

ClinVar aggregate classification (germline): Pathogenic (1 of 4 stars; one submission).

Conditions:
Neurofibromatosis, type 1 (NF1). Also called: VON RECKLINGHAUSEN DISEASE; NEUROFIBROMATOSIS, TYPE I, SOMATIC; Peripheral type neurofibromatosis; Neurofibromatosis, type I. Identifiers: Orphanet 636, MedGen C0027831, MONDO:0018975, OMIM 162200. Disease mechanism: loss of function.

Submission:

Labcorp Genetics (formerly Invitae), Labcorp
Classification: Pathogenic for Neurofibromatosis, type 1. Last evaluated: 2023-09-12. Review status: criteria provided, single submitter. Criteria: Invitae Variant Classification Sherloc (09022015). Collection method: clinical testing. Allele origin: germline.
Comment: This sequence change creates a premature translational stop signal (p.Lys2292Cysfs*7) in the NF1 gene. It is expected to result in an absent or disrupted protein product. Loss-of-function variants in NF1 are known to be pathogenic (PMID: 10712197, 23913538). For these reasons, this variant has been classified as Pathogenic. This variant has not been reported in the literature in individuals affected with NF1-related conditions. This variant is not present in population databases (gnomAD no frequency).

Literature cited by the submitters: PubMed 10712197; PubMed 23913538.